The following is an entry in ClinVar:

NM_001128148.3(TFRC):c.1415C>T (p.Ser472Leu)

Gene: TFRC (transferrin receptor; minus strand). Cytogenetic location: 3q29.
Variant type: single nucleotide variant.
Coding change: c.1415C>T on transcript NM_001128148.3 (MANE Select); coding-DNA position 1415, C replaced by T.
Protein change: p.Ser472Leu; replaces serine 472 with leucine.
Molecular consequence: missense variant.
Genome position (GRCh38, 1-based): chr3:196,062,635, G>A on the plus strand (C>T on the coding strand, the complement: TFRC is on the minus strand). VCF-style: chr3-196062635-G-A. GRCh37 (hg19) VCF-style: chr3-195789506-G-A.
Other names: c.1172C>T, p.Ser391Leu (NM_001313965.2); c.569C>T, p.Ser190Leu (NM_001313966.2); c.1415C>T, p.Ser472Leu (NM_003234.4); short protein forms S190L, S391L, S472L.
Identifiers: ClinVar variation 3701015 (VCV003701015.2).

ClinVar aggregate classification (germline): Uncertain significance (1 of 4 stars; one submission).

gnomAD v4.1: 18 of 1,609,426 alleles (0.0011%); highest among the groups gnomAD compares: Middle Eastern, 0.017%; no homozygotes.

Submission:

Labcorp Genetics (formerly Invitae), Labcorp
Classification: Uncertain significance. Last evaluated: 2025-10-27. Review status: criteria provided, single submitter. Criteria: Invitae Variant Classification Sherloc (09022015). Collection method: clinical testing. Allele origin: germline.
Comment: This sequence change replaces serine, which is neutral and polar, with leucine, which is neutral and non-polar, at codon 472 of the TFRC protein (p.Ser472Leu). This variant is present in population databases (no rsID available, gnomAD 0.007%). This variant has not been reported in the literature in individuals affected with TFRC-related conditions. ClinVar contains an entry for this variant (Variation ID: 3701015). Invitae Evidence Modeling of protein sequence and biophysical properties (such as structural, functional, and spatial information, amino acid conservation, physicochemical variation, residue mobility, and thermodynamic stability) indicates that this missense variant is not expected to disrupt TFRC protein function with a negative predictive value of 80%. In summary, the available evidence is currently insufficient to determine the role of this variant in disease. Therefore, it has been classified as a Variant of Uncertain Significance.